The following is an entry in ClinVar:

NM_138615.3(DHX30):c.2626C>T (p.His876Tyr)

Gene: DHX30 (DExH-box helicase 30; plus strand). Cytogenetic location: 3p21.31.
Variant type: single nucleotide variant.
Coding change: c.2626C>T on transcript NM_138615.3 (MANE Select); coding-DNA position 2626, C replaced by T.
Protein change: p.His876Tyr; replaces histidine 876 with tyrosine.
Molecular consequence: missense variant.
Genome position (GRCh38, 1-based): chr3:47,848,674, C>T. VCF-style: chr3-47848674-C-T. GRCh37 (hg19) VCF-style: chr3-47890164-C-T.
Other names: c.2542C>T, p.His848Tyr (NM_001330990.2); c.2509C>T, p.His837Tyr (NM_014966.4); short protein forms H837Y, H848Y, H876Y.
Identifiers: ClinVar variation 3068481 (VCV003068481.2), dbSNP rs2549298504, ClinGen allele CA352591593.

ClinVar aggregate classification (germline): Likely benign (1 of 4 stars; one submission).

Conditions:
Neurodevelopmental disorder with severe motor impairment and absent language. Also called: NEURODEVELOPMENTAL DISORDER WITH VARIABLE MOTOR AND LANGUAGE IMPAIRMENT. Identifiers: Orphanet 647788, MedGen C4540496, MONDO:0060622, OMIM 617804.

Allele frequency attached by ClinVar (database versions not stated): gnomAD exomes below 0.00001.
gnomAD v4.1: 1 of 1,614,090 alleles (0.000062%); highest among the groups gnomAD compares: Non-Finnish European, 0.000085%; no homozygotes.

Submission:

Institute of Human Genetics, University of Leipzig Medical Center
Classification: Likely benign for Neurodevelopmental disorder with severe motor impairment and absent language. Last evaluated: 2022-05-10. Review status: criteria provided, single submitter. Criteria: ACMG Guidelines, 2015. Collection method: clinical testing. Allele origin: paternal. Inheritance: Autosomal dominant inheritance. Affected: yes.
Comment: Criteria applied: PM1,PM2_SUP